The following is an entry in ClinVar:

NM_000161.3(GCH1):c.676G>C (p.Val226Leu)

Gene: GCH1 (GTP cyclohydrolase 1; minus strand). Cytogenetic location: 14q22.2.
Variant type: single nucleotide variant.
Coding change: c.676G>C on transcript NM_000161.3 (MANE Select); coding-DNA position 676, G replaced by C.
Protein change: p.Val226Leu; replaces valine 226 with leucine.
Molecular consequence: missense variant. On other transcripts: intron variant (2).
Genome position (GRCh38, 1-based): chr14:54,844,094, C>G on the plus strand (G>C on the coding strand, the complement: GCH1 is on the minus strand). VCF-style: chr14-54844094-C-G. GRCh37 (hg19) VCF-style: chr14-55310812-C-G.
Other names: c.676G>C, p.Val226Leu (NM_001024024.2); c.627-1040G>C (NM_001024071.2); c.627-225G>C (NM_001024070.2); short protein forms V226L.
Identifiers: ClinVar variation 1367478 (VCV001367478.8), dbSNP rs2140038840, ClinGen allele CA389787120.

ClinVar aggregate classification (germline): Uncertain significance (1 of 4 stars; one submission).

Conditions:
Dystonia 5 (DRD). Also called: GTP Cyclohydrolase 1-Deficient Dopa-Responsive Dystonia; DYSTONIA, PROGRESSIVE, WITH DIURNAL VARIATION; DYSTONIA-PARKINSONISM WITH DIURNAL FLUCTUATION; Dystonia, DOPA-responsive, with or without hyperphenylalaninemia; DYT-GCH1. Identifiers: Orphanet 98808, MedGen C1851920, MONDO:0007495, OMIM 128230.
GTP cyclohydrolase I deficiency. Identifiers: MedGen C0268467, MONDO:0100184.

Submission:

Labcorp Genetics (formerly Invitae), Labcorp
Classification: Uncertain significance for GTP cyclohydrolase I deficiency; Dystonia 5. Last evaluated: 2022-08-16. Review status: criteria provided, single submitter. Criteria: Invitae Variant Classification Sherloc (09022015). Collection method: clinical testing. Allele origin: germline.
Comment: In summary, the available evidence is currently insufficient to determine the role of this variant in disease. Therefore, it has been classified as a Variant of Uncertain Significance. Algorithms developed to predict the effect of missense changes on protein structure and function are either unavailable or do not agree on the potential impact of this missense change (SIFT: "Deleterious"; PolyPhen-2: "Benign"; Align-GVGD: "Class C0"). ClinVar contains an entry for this variant (Variation ID: 1367478). This variant has not been reported in the literature in individuals affected with GCH1-related conditions. This variant is not present in population databases (gnomAD no frequency). This sequence change replaces valine, which is neutral and non-polar, with leucine, which is neutral and non-polar, at codon 226 of the GCH1 protein (p.Val226Leu).